The following is an entry in ClinVar:

NM_021267.5(CERS1):c.974C>T (p.Thr325Ile)

Genes: CERS1 (ceramide synthase 1; minus strand), GDF1 (growth differentiation factor 1; minus strand). Cytogenetic location: 19p13.11.
Variant type: single nucleotide variant.
Coding change: c.974C>T on transcript NM_021267.5 (MANE Select); coding-DNA position 974, C replaced by T.
Protein change: p.Thr325Ile; replaces threonine 325 with isoleucine.
Molecular consequence: missense variant. On other transcripts: 5 prime UTR variant (1), intron variant (1).
Genome position (GRCh38, 1-based): chr19:18,878,966, G>A on the plus strand (C>T on the coding strand, the complement: CERS1 is on the minus strand). VCF-style: chr19-18878966-G-A. GRCh37 (hg19) VCF-style: chr19-18989775-G-A.
Other names: c.680C>T, p.Thr227Ile (NM_001290265.2, NM_001387442.1, NM_001387443.1 and 2 more transcripts); c.974C>T, p.Thr325Ile (NM_001387439.1, NM_001387440.1, NM_198207.3); c.929C>T, p.Thr310Ile (NM_001387441.1); c.-349C>T (NM_001492.6); c.-313+5121C>T (NM_001387438.1); short protein forms T227I, T325I, T310I.
Identifiers: ClinVar variation 1441864 (VCV001441864.5), dbSNP rs1696944643, ClinGen allele CA404865203.

ClinVar aggregate classification (germline): Uncertain significance (1 of 4 stars; one submission).

Conditions:
Progressive myoclonic epilepsy type 8. Identifiers: Orphanet 424027, MedGen C5190825, MONDO:0014545, OMIM 616230.

Allele frequency attached by ClinVar (database versions not stated): gnomAD exomes below 0.00001; gnomAD 0.00001; TOPMed 0.00001.
gnomAD v4.1: 4 of 1,613,714 alleles (0.00025%); highest among the groups gnomAD compares: Admixed American, 0.0017%; no homozygotes.

Submission:

Labcorp Genetics (formerly Invitae), Labcorp
Classification: Uncertain significance for Progressive myoclonic epilepsy type 8. Last evaluated: 2021-08-23. Review status: criteria provided, single submitter. Criteria: Invitae Variant Classification Sherloc (09022015). Collection method: clinical testing. Allele origin: germline.
Comment: This variant has not been reported in the literature in individuals affected with CERS1-related conditions. In summary, the available evidence is currently insufficient to determine the role of this variant in disease. Therefore, it has been classified as a Variant of Uncertain Significance. Algorithms developed to predict the effect of missense changes on protein structure and function (SIFT, PolyPhen-2, Align-GVGD) all suggest that this variant is likely to be tolerated. This variant is not present in population databases (ExAC no frequency). This sequence change replaces threonine with isoleucine at codon 325 of the CERS1 protein (p.Thr325Ile). The threonine residue is weakly conserved and there is a moderate physicochemical difference between threonine and isoleucine.